The following is an entry in ClinVar:

ClinVar aggregate classification (germline): Uncertain significance (1 of 4 stars; one submission).

Submission:

GeneDx
Classification: Uncertain significance. Last evaluated: 2024-05-24. Review status: criteria provided, single submitter. Criteria: GeneDx Variant Classification Process June 2021. Collection method: clinical testing. Allele origin: germline. Affected: yes.
Comment: Not observed at significant frequency in large population cohorts (gnomAD); In silico analysis indicates that this missense variant does not alter protein structure/function; Has not been previously published as pathogenic or benign to our knowledge

NM_033109.5(PNPT1):c.2315G>T (p.Gly772Val)

Gene: PNPT1 (polyribonucleotide nucleotidyltransferase 1; minus strand). Cytogenetic location: 2p16.1.
Variant type: single nucleotide variant.
Coding change: c.2315G>T on transcript NM_033109.5 (MANE Select); coding-DNA position 2315, G replaced by T.
Protein change: p.Gly772Val; replaces glycine 772 with valine.
Molecular consequence: missense variant.
Genome position (GRCh38, 1-based): chr2:55,636,274, C>A on the plus strand (G>T on the coding strand, the complement: PNPT1 is on the minus strand). VCF-style: chr2-55636274-C-A. GRCh37 (hg19) VCF-style: chr2-55863409-C-A.
Other names: short protein forms G772V.
Identifiers: ClinVar variation 3381276 (VCV003381276.1).